The following is an entry in ClinVar:

NM_145046.5(CALR3):c.38T>C (p.Met13Thr)

Gene: CALR3 (calreticulin 3; minus strand). Cytogenetic location: 19p13.11.
Variant type: single nucleotide variant.
Coding change: c.38T>C on transcript NM_145046.5 (MANE Select); coding-DNA position 38, T replaced by C.
Protein change: p.Met13Thr; replaces methionine 13 with threonine.
Molecular consequence: missense variant.
Genome position (GRCh38, 1-based): chr19:16,496,092, A>G on the plus strand (T>C on the coding strand, the complement: CALR3 is on the minus strand). VCF-style: chr19-16496092-A-G. GRCh37 (hg19) VCF-style: chr19-16606903-A-G.
Other names: short protein forms M13T.
Identifiers: ClinVar variation 241950 (VCV000241950.9), dbSNP rs878855223, ClinGen allele CA10583797.

ClinVar aggregate classification (germline): Uncertain significance (1 of 4 stars; one submission).

Conditions:
Hypertrophic cardiomyopathy 19. Also called: Familial hypertrophic cardiomyopathy 19. Identifiers: MedGen CN077603, MONDO:0013476.

Allele frequency attached by ClinVar (database versions not stated): gnomAD exomes 0.00001.

Submission:

Labcorp Genetics (formerly Invitae), Labcorp
Classification: Uncertain significance for Hypertrophic cardiomyopathy 19. Last evaluated: 2016-02-05. Review status: criteria provided, single submitter. Criteria: Invitae Variant Classification Sherloc (09022015). Collection method: clinical testing. Allele origin: germline.
Comment: This sequence change replaces methionine with threonine at codon 13 of the CALR3 protein (p.Met13Thr). The methionine residue is weakly conserved and there is a moderate physicochemical difference between methionine and threonine. This variant is not present in population databases (ExAC no frequency) and has not been reported in the literature in individuals with a CALR3-related disease. In summary, this is a novel missense change that is not predicted to affect protein function or cause disease. However, the evidence is insufficient at this time to prove that conclusively. It has been classified as a Variant of Uncertain Significance. Algorithms developed to predict the effect of missense changes on protein structure and function (SIFT, PolyPhen-2, Align-GVGD) all suggest that this variant is likely to be tolerated, but these predictions have not been confirmed by published functional studies.